The following is an entry in ClinVar:

ClinVar aggregate classification (germline): Uncertain significance. Review status: criteria provided, multiple submitters, no conflicts (2 of 4 stars). 2 submissions from 2 submitters: Uncertain significance (2). Last evaluated 2025-04-07.

Conditions:
RASopathy. Also called: rasopathies; Noonan spectrum disorder. Identifiers: Orphanet 536391, MedGen C5555857, MONDO:0021060.

Submissions (2):

Labcorp Genetics (formerly Invitae), Labcorp
Classification: Uncertain significance for RASopathy. Last evaluated: 2025-04-07. Review status: criteria provided, single submitter. Criteria: Invitae Variant Classification Sherloc (09022015). Collection method: clinical testing. Allele origin: germline.
Comment: This sequence change replaces valine, which is neutral and non-polar, with glycine, which is neutral and non-polar, at codon 669 of the BRAF protein (p.Val669Gly). This variant is not present in population databases (gnomAD no frequency). This variant has not been reported in the literature in individuals affected with BRAF-related conditions. ClinVar contains an entry for this variant (Variation ID: 3629704). Invitae Evidence Modeling of protein sequence and biophysical properties (such as structural, functional, and spatial information, amino acid conservation, physicochemical variation, residue mobility, and thermodynamic stability) indicates that this missense variant is expected to disrupt BRAF protein function with a positive predictive value of 80%. In summary, the available evidence is currently insufficient to determine the role of this variant in disease. Therefore, it has been classified as a Variant of Uncertain Significance.

Women's Health and Genetics/Laboratory Corporation of America, LabCorp
Classification: Uncertain significance. Last evaluated: 2024-11-11. Review status: criteria provided, single submitter. Criteria: LabCorp Variant Classification Summary - May 2015. Collection method: clinical testing. Allele origin: germline.

NM_004333.6(BRAF):c.2006T>G (p.Val669Gly)

Gene: BRAF (B-Raf proto-oncogene, serine/threonine kinase; minus strand). Cytogenetic location: 7q34.
Variant type: single nucleotide variant.
Coding change: c.2006T>G on transcript NM_004333.6 (MANE Select); coding-DNA position 2006, T replaced by G.
Protein change: p.Val669Gly; replaces valine 669 with glycine.
Molecular consequence: missense variant.
Genome position (GRCh38, 1-based): chr7:140,739,933, A>C on the plus strand (T>G on the coding strand, the complement: BRAF is on the minus strand). VCF-style: chr7-140739933-A-C. GRCh37 (hg19) VCF-style: chr7-140439733-A-C.
Other names: c.2006T>G, p.Val669Gly (NM_001354609.2, NM_001378468.1, NM_001378474.1); c.2126T>G, p.Val709Gly (NM_001374244.1, NM_001374258.1); c.2015T>G, p.Val672Gly (NM_001378467.1); c.1940T>G, p.Val647Gly (NM_001378469.1); c.1904T>G, p.Val635Gly (NM_001378470.1); c.1895T>G, p.Val632Gly (NM_001378471.1); c.1850T>G, p.Val617Gly (NM_001378472.1, NM_001378473.1); c.1742T>G, p.Val581Gly (NM_001378475.1); short protein forms V581G, V617G, V632G, V635G, V647G, V669G, V672G, V709G.
Identifiers: ClinVar variation 3629704 (VCV003629704.2).